The following is an entry in ClinVar:

ClinVar aggregate classification (germline): Uncertain significance (1 of 4 stars; one submission).

Allele frequency attached by ClinVar (database versions not stated): ESP Exome Variant Server 0.00008; TOPMed 0.00014; gnomAD 0.00016; ExAC 0.00026.
gnomAD v4.1: 223 of 1,538,750 alleles (0.014%); highest among the groups gnomAD compares: Middle Eastern, 0.017%; no homozygotes.

Submissions (3):

Labcorp Genetics (formerly Invitae), Labcorp
Classification: Uncertain significance. Last evaluated: 2025-08-24. Review status: criteria provided, single submitter. Criteria: Invitae Variant Classification Sherloc (09022015). Collection method: clinical testing. Allele origin: germline.
Comment: This sequence change falls in intron 1 of the TNK2 gene. It does not directly change the encoded amino acid sequence of the TNK2 protein. It affects a nucleotide within the consensus splice site. This variant is present in population databases (rs201615423, gnomAD 0.05%). This variant has not been reported in the literature in individuals affected with TNK2-related conditions. ClinVar contains an entry for this variant (Variation ID: 2043749). Variants that disrupt the consensus splice site are a relatively common cause of aberrant splicing (PMID: 17576681, 9536098). Algorithms developed to predict the effect of sequence changes on RNA splicing suggest that this variant may disrupt the consensus splice site. In summary, the available evidence is currently insufficient to determine the role of this variant in disease. Therefore, it has been classified as a Variant of Uncertain Significance.

Dr. Peter K. Rogan Lab, Western University
No classification provided (evidence only). Condition: Melanoma. Review status: no classification provided. Collection method: in vitro. Allele origin: not applicable. Functional consequence: retained intron. Not counted in ClinVar's aggregate classification.

Dr. Peter K. Rogan Lab, Western University
No classification provided (evidence only). Condition: Lymphoma. Review status: no classification provided. Collection method: in vitro. Allele origin: not applicable. Functional consequence: retained intron. Not counted in ClinVar's aggregate classification.

Literature cited by the submitters: PubMed 17576681 (cited by Labcorp Genetics (formerly Invitae), Labcorp); PubMed 9536098 (cited by Labcorp Genetics (formerly Invitae), Labcorp).

NM_001382273.1(TNK2):c.-18-6636A>T

Gene: TNK2 (tyrosine kinase non receptor 2; minus strand). Cytogenetic location: 3q29.
Variant type: single nucleotide variant.
Coding change: c.-18-6636A>T on transcript NM_001382273.1 (MANE Select); 6636 bases into the intron before 18 bases upstream of the start codon, A replaced by T.
Molecular consequence: intron variant.
Genome position (GRCh38, 1-based): chr3:195,895,242, T>A on the plus strand (A>T on the coding strand, the complement: TNK2 is on the minus strand). VCF-style: chr3-195895242-T-A. GRCh37 (hg19) VCF-style: chr3-195622113-T-A.
Other names: c.-18-6636A>T (NM_001387720.1, NM_005781.5, NM_001386164.1 and 1 more transcripts); c.-19+1925A>T (NM_001387714.1); c.-19+1501A>T (NM_001387711.1); c.-19+811A>T (NM_001387721.1, NM_001387710.1); c.-19+653A>T (NM_001387719.1, NM_001387713.1, NM_001387712.1 and 2 more transcripts); c.54+4A>T (NM_001387715.1, NM_001387708.1, NM_001010938.2 and 1 more transcripts).
Identifiers: ClinVar variation 2043749 (VCV002043749.5), dbSNP rs201615423, ClinGen allele CA2777100.